The following is an entry in ClinVar:

ClinVar aggregate classification (germline): Uncertain significance. Review status: criteria provided, multiple submitters, no conflicts (2 of 4 stars). 2 submissions from 2 submitters: Uncertain significance (2). Last evaluated 2025-09-04.

Allele frequency attached by ClinVar (database versions not stated): TOPMed 0.00002; gnomAD 0.00001; ExAC 0.00005.
gnomAD v4.1: 9 of 1,613,294 alleles (0.00056%); highest among the groups gnomAD compares: Admixed American, 0.013%; no homozygotes.

Submissions (2):

Ambry Genetics
Classification: Uncertain significance. Last evaluated: 2025-09-04. Review status: criteria provided, single submitter. Criteria: Ambry Variant Classification Scheme 2023. Collection method: clinical testing. Allele origin: germline.

Labcorp Genetics (formerly Invitae), Labcorp
Classification: Uncertain significance. Last evaluated: 2022-05-19. Review status: criteria provided, single submitter. Criteria: Invitae Variant Classification Sherloc (09022015). Collection method: clinical testing. Allele origin: germline.
Comment: The frequency data for this variant in the population databases is considered unreliable, as metrics indicate poor data quality at this position in the gnomAD database. This variant has not been reported in the literature in individuals affected with RGS6-related conditions. Algorithms developed to predict the effect of missense changes on protein structure and function are either unavailable or do not agree on the potential impact of this missense change (SIFT: "Not Available"; PolyPhen-2: "Benign"; Align-GVGD: "Not Available"). In summary, the available evidence is currently insufficient to determine the role of this variant in disease. Therefore, it has been classified as a Variant of Uncertain Significance. This sequence change replaces lysine, which is basic and polar, with glutamic acid, which is acidic and polar, at codon 40 of the RGS6 protein (p.Lys40Glu).

NM_001204424.2(RGS6):c.118A>G (p.Lys40Glu)

Gene: RGS6 (regulator of G protein signaling 6; plus strand). Cytogenetic location: 14q24.2.
Variant type: single nucleotide variant.
Coding change: c.118A>G on transcript NM_001204424.2 (MANE Select); coding-DNA position 118, A replaced by G.
Protein change: p.Lys40Glu; replaces lysine 40 with glutamic acid.
Molecular consequence: missense variant. On other transcripts: non-coding transcript variant (1).
Genome position (GRCh38, 1-based): chr14:72,352,128, A>G. VCF-style: chr14-72352128-A-G. GRCh37 (hg19) VCF-style: chr14-72818836-A-G.
Other names: c.118A>G (NM_001204424.1); c.118A>G, p.Lys40Glu (NM_001204416.3, NM_001204417.3, NM_001204418.3 and 29 more transcripts); c.13A>G, p.Lys5Glu (NM_001204423.2); short protein forms K5E, K40E.
Identifiers: ClinVar variation 2056116 (VCV002056116.7), dbSNP rs768765904, ClinGen allele CA7253708.
Genomic context (GRCh38, chr14:72,352,128, plus strand): 5'-ACACTTCTTTTCTTTAACCTCTTTCAGATTGAAGACATCATTACAAAGATGCAAGATGAC[A>G]AGACAGGGGGTGTGCCCATCAGAACAGTCAAGAGCTTTCTCTCCAAAATCCCCAGTGTCG-3'
Protein context (NP_001191353.1, residues 30-50): EDIITKMQDD[Lys40Glu]TGGVPIRTVK